The following is an entry in ClinVar:

NM_182931.3(KMT2E):c.5090_5093dup (p.Gly1699fs)

Gene: KMT2E (lysine methyltransferase 2E (inactive); plus strand). Cytogenetic location: 7q22.3.
Variant type: Duplication.
Coding change: c.5090_5093dup on transcript NM_182931.3 (MANE Select); coding-DNA positions 5090 to 5093, 4 bases duplicated (CCAC; older notation c.5090_5093dupCCAC).
Protein change: p.Gly1699fs; shifts the reading frame from glycine 1699.
Molecular consequence: frameshift variant.
Genome position (GRCh38, 1-based): chr7:105,112,846-105,112,849, CCAC duplicated. VCF-style (leftmost placement, unchanged base first): chr7-105112845-T-TCCAC. GRCh37 (hg19) VCF-style: chr7-104753292-T-TCCAC.
Other names: c.4964_4967dup, p.Gly1657fs (NM_001410908.1); c.5090_5093dup, p.Gly1699fs (NM_018682.4); short protein forms G1657fs, G1699fs.
Identifiers: ClinVar variation 3899730 (VCV003899730.1).

ClinVar aggregate classification (germline): Uncertain significance (1 of 4 stars; one submission).

Submission:

GeneDx
Classification: Uncertain significance. Last evaluated: 2024-11-18. Review status: criteria provided, single submitter. Criteria: GeneDx Variant Classification Process June 2021. Collection method: clinical testing. Allele origin: germline. Affected: yes.
Comment: Frameshift variant predicted to result in abnormal protein length as the last 160 amino acids are replaced with 170 different amino acids; Not observed at significant frequency in large population cohorts (gnomAD); Has not been previously published as pathogenic or benign to our knowledge